The following is an entry in ClinVar:

ClinVar aggregate classification (germline): Uncertain significance (1 of 4 stars; one submission).

Conditions:
BBS9-related disorder. Also called: BBS9-related condition.

Allele frequency attached by ClinVar (database versions not stated): TOPMed below 0.00001; ExAC 0.00001.
gnomAD v4.1: 4 of 1,610,218 alleles (0.00025%); highest among the groups gnomAD compares: Non-Finnish European, 0.00034%; no homozygotes.

Submission:

PreventionGenetics, part of Exact Sciences
Classification: Uncertain significance for BBS9-related condition. Last evaluated: 2023-04-18. Review status: criteria provided, single submitter. Criteria: ACMG Guidelines, 2015. Collection method: clinical testing. Allele origin: germline.
Comment: The BBS9 c.1962+4T>G variant is predicted to interfere with splicing. This variant is predicted to alter splicing based on available splicing prediction programs (Alamut Visual plus v1.6.1). However, such computer prediction programs are imperfect. To our knowledge, this variant has not been reported in the literature. This variant is reported in 0.00088% of alleles in individuals of European (Non-Finnish) descent in gnomAD. At this time, the clinical significance of this variant is uncertain due to the absence of conclusive functional and genetic evidence.

NM_198428.3(BBS9):c.1962+4T>G

Gene: BBS9 (Bardet-Biedl syndrome 9; plus strand). Cytogenetic location: 7p14.3.
Variant type: single nucleotide variant.
Coding change: c.1962+4T>G on transcript NM_198428.3 (MANE Select); 4 bases into the intron after coding-DNA position 1962, T replaced by G.
Molecular consequence: intron variant.
Genome position (GRCh38, 1-based): chr7:33,383,842, T>G. VCF-style: chr7-33383842-T-G. GRCh37 (hg19) VCF-style: chr7-33423454-T-G.
Other names: c.1962+4T>G (NM_001348036.1, NM_001362679.1, NM_001348041.4 and 1 more transcripts); c.1689+4T>G (NM_001348038.3); c.1584+4T>G (NM_001348039.3); c.1947+4T>G (NM_001033605.2); c.1857+4T>G (NM_001033604.2); c.1842+4T>G (NM_014451.4, NM_001348040.3); c.1596+4T>G (NM_001348037.3, NM_001348045.3, NM_001348046.3); c.1827+4T>G (NM_001348042.3); and 1 more.
Identifiers: ClinVar variation 2634963 (VCV002634963.1), dbSNP rs761849340, ClinGen allele CA4214549.